The following is an entry in ClinVar:

NM_000330.4(RS1):c.35T>A (p.Leu12His)

Gene: RS1 (retinoschisin 1; minus strand). Cytogenetic location: Xp22.13.
Variant type: single nucleotide variant.
Coding change: c.35T>A on transcript NM_000330.4 (MANE Select); coding-DNA position 35, T replaced by A.
Protein change: p.Leu12His; replaces leucine 12 with histidine.
Molecular consequence: missense variant.
Genome position (GRCh38, 1-based): chrX:18,672,034, A>T on the plus strand (T>A on the coding strand, the complement: RS1 is on the minus strand). VCF-style: chrX-18672034-A-T. GRCh37 (hg19) VCF-style: chrX-18690154-A-T.
Other names: NM_000330.4(RS1):c.35T>A; short protein forms L12H.
Identifiers: ClinVar variation 98946 (VCV000098946.6), dbSNP rs62645879, ClinGen allele CA226701.

ClinVar aggregate classification (germline): Uncertain significance. Review status: reviewed by expert panel (3 of 4 stars). 4 submissions from 4 submitters: Uncertain significance (1). 3 of the submissions do not count toward it. Last evaluated 2025-05-19.

Conditions:
RS1-related disorder. Also called: RS1-related condition.
Juvenile retinoschisis (RS1). Also called: X-linked retinoschisis; X-Linked Juvenile Retinoschisis. Identifiers: Orphanet 792, MedGen C3714753, MONDO:0010725, OMIM 312700.

Submissions (4):

ClinGen X-linked Inherited Retinal Disease Variant Curation Expert Panel, ClinGen
Classification: Uncertain significance for Juvenile retinoschisis. Last evaluated: 2025-05-19. Review status: reviewed by expert panel. Criteria: ClinGen X LinkedIRD ACMG Specifications RS1 V1.0.0. Collection method: curation. Allele origin: germline. Inheritance: X-linked inheritance.
Comment: The NM_000330.4(RS1):c.35T>A variant is a missense variant encoding the substitution of Leucine with Histidine at amino acid 12. This variant is absent from hemizygous individuals in gnomAD v4.1.0 (PM2_Supporting). COS-7 cells exogenously expressing the variant exhibit loss of RS1 secretion into the medium relative to the wild-type control (PMID: 12417531, PS3_Supporting). The computational predictor REVEL gives a score of 0.633, which is between the ClinGen X-linked IRD VCEP thresholds of 0.664 to 0.290 and does not predict a damaging effect on RS1 function. Additionally, the splicing impact predictor SpliceAI gives a score of 0.00, which is below the ClinGen X-linked IRD VCEP recommended threshold of ≥0.2 and does not strongly predict an impact on splicing. Collectively, both BP4 and PP3 codes do not apply. This variant has been reported in at least 2 apparently unrelated probands meeting the PS4 requirements of a male diagnosed with X-linked retinoschisis (PMIDs: 9618178, 34822951, 31848469, 32860923, 28348004, 35456481, PS4_supporting). In summary, this variant is classified as a variant of uncertain significance for X-linked retinoschisis based on the ClinGen X-linked Inherited Retinal Disease Expert Panel Specifications to the ACMG/AMP Variant Interpretation Guidelines for RS1 Version 1.0.0: PS3_supporting, PS4_supporting, and PM2_supporting. (date of approval 01/24/2025).

Natera, Inc.
Classification: Likely pathogenic for X-linked retinoschisis. Last evaluated: 2025-05-21. Review status: criteria provided, single submitter. Criteria: Natera Variant Classification Schema (03/2026). Collection method: clinical testing. Allele origin: germline. Not counted in ClinVar's aggregate classification.
Comment: The c.35T>A variant in RS1 is a missense variant predicted to cause substitution of leucine to histidine at amino acid 12. This variant is rare in the general population with a frequency below the threshold expected for the associated phenotype(s). This variant has been observed in affected individual(s) with monoallelic occurrence (heterozygous/hemizygous) (PMID: 38219857, 35456481, 21527955, 20809529). Functional studies show that this variant may disrupt protein function (PMID: 20809529). Computational prediction algorithms indicate this variant is likely to affect gene or protein function. Given the available evidence, this variant is classified as Likely Pathogenic.

Blueprint Genetics
Classification: Likely pathogenic for RS1-related disorders. Last evaluated: 2019-07-25. Review status: criteria provided, single submitter. Criteria: ACMG Guidelines, 2015. Collection method: clinical testing. Allele origin: germline. Affected: yes. Observed: 1 variant allele. Not counted in ClinVar's aggregate classification.

Retina International
No classification provided. Review status: no classification provided. Collection method: not provided. Allele origin: not provided. Not counted in ClinVar's aggregate classification.

Literature cited by the submitters: PubMed 38219857 (cited by Natera, Inc.); PubMed 35456481 (cited by Natera, Inc.); PubMed 21527955 (cited by Natera, Inc.); PubMed 20809529 (cited by Natera, Inc.).